The following is an entry in ClinVar:

NM_015100.4(POGZ):c.1689G>C (p.Lys563Asn)

Gene: POGZ (pogo transposable element derived with ZNF domain; minus strand). Cytogenetic location: 1q21.3.
Variant type: single nucleotide variant.
Coding change: c.1689G>C on transcript NM_015100.4 (MANE Select); coding-DNA position 1689, G replaced by C.
Protein change: p.Lys563Asn; replaces lysine 563 with asparagine.
Molecular consequence: missense variant.
Genome position (GRCh38, 1-based): chr1:151,412,386, C>G on the plus strand (G>C on the coding strand, the complement: POGZ is on the minus strand). VCF-style: chr1-151412386-C-G. GRCh37 (hg19) VCF-style: chr1-151384862-C-G.
Other names: c.1662G>C, p.Lys554Asn (NM_001194937.2); c.1503G>C, p.Lys501Asn (NM_001194938.2); c.1710G>C, p.Lys570Asn (NM_001410860.1); c.1404G>C, p.Lys468Asn (NM_145796.4); c.1530G>C, p.Lys510Asn (NM_207171.2); short protein forms K468N, K501N, K510N, K554N, K563N, K570N.
Identifiers: ClinVar variation 3365639 (VCV003365639.1).

ClinVar aggregate classification (germline): Uncertain significance (1 of 4 stars; one submission).

gnomAD v4.1: 1 of 1,595,156 alleles (0.000063%); highest among the groups gnomAD compares: Non-Finnish European, 0.000086%; no homozygotes.

Submission:

GeneDx
Classification: Uncertain significance. Last evaluated: 2023-12-18. Review status: criteria provided, single submitter. Criteria: GeneDx Variant Classification Process June 2021. Collection method: clinical testing. Allele origin: germline. Affected: yes.
Comment: Not observed at significant frequency in large population cohorts (gnomAD); In silico analysis supports that this missense variant has a deleterious effect on protein structure/function; Has not been previously published as pathogenic or benign to our knowledge